The following is an entry in ClinVar:

NM_000179.3(MSH6):c.210G>T (p.Lys70Asn)

Gene: MSH6 (mutS homolog 6; plus strand). Cytogenetic location: 2p16.3.
Variant type: single nucleotide variant.
Coding change: c.210G>T on transcript NM_000179.3 (MANE Select); coding-DNA position 210, G replaced by T.
Protein change: p.Lys70Asn; replaces lysine 70 with asparagine.
Molecular consequence: missense variant. On other transcripts: 5 prime UTR variant (1).
Genome position (GRCh38, 1-based): chr2:47,783,443, G>T. VCF-style: chr2-47783443-G-T. GRCh37 (hg19) VCF-style: chr2-48010582-G-T.
Other names: c.210G>T, p.Lys70Asn (NM_001281492.2, NM_001406795.1, NM_001406796.1 and 9 more transcripts); c.-527G>T (NM_001281493.2, NM_001406811.1); c.-119G>T (NM_001406799.1); c.155G>T, p.Arg52Ile (NM_001406804.1); c.-719G>T (NM_001406807.1); c.-374G>T (NM_001406812.1); c.-785G>T (NM_001406814.1); c.-330G>T (NM_001406816.1); short protein forms R52I, K70N.
Identifiers: ClinVar variation 1786080 (VCV001786080.3), dbSNP rs1180779317, ClinGen allele CA346735059.

ClinVar aggregate classification (germline): Uncertain significance. Review status: criteria provided, multiple submitters, no conflicts (2 of 4 stars). 2 submissions from 2 submitters: Uncertain significance (2). Last evaluated 2023-11-20.

Conditions:
Hereditary cancer-predisposing syndrome. Also called: Neoplastic Syndromes, Hereditary; Tumor predisposition; Hereditary Cancer Syndrome; Hereditary neoplastic syndrome. Identifiers: Orphanet 140162, MedGen C0027672, MeSH D009386, MONDO:0015356.
Lynch syndrome. Identifiers: Orphanet 144, MedGen C4552100, MONDO:0005835. Disease mechanism: loss of function.

Submissions (2):

All of Us Research Program, National Institutes of Health
Classification: Uncertain significance for Lynch syndrome. Last evaluated: 2023-11-20. Review status: criteria provided, single submitter. Criteria: ACMG Guidelines, 2015. Collection method: clinical testing. Allele origin: germline. Inheritance: Autosomal dominant inheritance. Observed: 1 variant allele, 1 heterozygote.
Comment: This missense variant replaces lysine with asparagine at codon 70 of the MSH6 protein. Computational prediction suggests that this variant may not impact protein structure and function (internally defined REVEL score threshold <= 0.5, PMID: 27666373). To our knowledge, functional studies have not been reported for this variant. This variant has not been reported in individuals affected with MSH6-related disorders in the literature. This variant has not been identified in the general population by the Genome Aggregation Database (gnomAD). The available evidence is insufficient to determine the role of this variant in disease conclusively. Therefore, this variant is classified as a Variant of Uncertain Significance.

This study involves interpretation of variants in research participants for the purpose of population health screening. Participant phenotype was not available at the time of variant classification. Additional details can be found in publication PMID: 35346344, PMCID: PMC8962531

Ambry Genetics
Classification: Uncertain significance for Hereditary cancer-predisposing syndrome. Last evaluated: 2021-04-26. Review status: criteria provided, single submitter. Criteria: Ambry Variant Classification Scheme 2023. Collection method: clinical testing. Allele origin: germline.
Comment: The p.K70N variant (also known as c.210G>T), located in coding exon 1 of the MSH6 gene, results from a G to T substitution at nucleotide position 210. The lysine at codon 70 is replaced by asparagine, an amino acid with similar properties. This amino acid position is not well conserved in available vertebrate species. In addition, this alteration is predicted to be tolerated by in silico analysis. Since supporting evidence is limited at this time, the clinical significance of this alteration remains unclear.